The following is an entry in ClinVar:

ClinVar aggregate classification (germline): Uncertain significance (1 of 4 stars; one submission).

Submission:

GeneDx
Classification: Uncertain significance. Last evaluated: 2025-06-25. Review status: criteria provided, single submitter. Criteria: GeneDx Variant Classification Process June 2021. Collection method: clinical testing. Allele origin: germline. Affected: yes.
Comment: Not observed at significant frequency in large population cohorts (gnomAD); In silico analysis supports that this missense variant has a deleterious effect on protein structure/function; Has not been previously published as pathogenic or benign to our knowledge; Not located in one of the three hot-spot regions of the RYR2 gene, where the majority of pathogenic missense variants occur (PMID: 19926015); This variant is associated with the following publications: (PMID: 19926015)

NM_001035.3(RYR2):c.10168C>T (p.Pro3390Ser)

Gene: RYR2 (ryanodine receptor 2; plus strand). Cytogenetic location: 1q43.
Variant type: single nucleotide variant.
Coding change: c.10168C>T on transcript NM_001035.3 (MANE Select); coding-DNA position 10168, C replaced by T.
Protein change: p.Pro3390Ser; replaces proline 3390 with serine.
Molecular consequence: missense variant.
Genome position (GRCh38, 1-based): chr1:237,709,505, C>T. VCF-style: chr1-237709505-C-T. GRCh37 (hg19) VCF-style: chr1-237872805-C-T.
Other names: short protein forms P3390S.
Identifiers: ClinVar variation 4540247 (VCV004540247.1).